The following is an entry in ClinVar:

NM_012330.4(KAT6B):c.3358G>A (p.Ala1120Thr)

Gene: KAT6B (lysine acetyltransferase 6B; plus strand). Cytogenetic location: 10q22.2.
Variant type: single nucleotide variant.
Coding change: c.3358G>A on transcript NM_012330.4 (MANE Select); coding-DNA position 3358, G replaced by A.
Protein change: p.Ala1120Thr; replaces alanine 1120 with threonine.
Molecular consequence: missense variant.
Genome position (GRCh38, 1-based): chr10:75,022,217, G>A. VCF-style: chr10-75022217-G-A. GRCh37 (hg19) VCF-style: chr10-76781975-G-A.
Other names: c.2809G>A, p.Ala937Thr (NM_001256468.2, NM_001370138.1); c.2482G>A, p.Ala828Thr (NM_001256469.2, NM_001370139.1, NM_001370140.1 and 2 more transcripts); c.2320G>A, p.Ala774Thr (NM_001370132.1); c.1669G>A, p.Ala557Thr (NM_001370133.1); c.1273G>A, p.Ala425Thr (NM_001370134.1); c.1015G>A, p.Ala339Thr (NM_001370135.1); c.3358G>A, p.Ala1120Thr (NM_001370136.1, NM_001370137.1); c.2293G>A, p.Ala765Thr (NM_001370143.1, NM_001370144.1); short protein forms A828T, A557T, A774T, A1120T, A339T, A937T, A425T, A765T.
Identifiers: ClinVar variation 4733125 (VCV004733125.1).

ClinVar aggregate classification (germline): Uncertain significance (1 of 4 stars; one submission).

Conditions:
Genitopatellar syndrome (GTPTS). Also called: ABSENT PATELLAE, SCROTAL HYPOPLASIA, RENAL ANOMALIES, FACIAL DYSMORPHISM, AND MENTAL RETARDATION; Genitopatellar syndrome (GPS). Identifiers: Orphanet 85201, MedGen C1853566, MONDO:0011640, OMIM 606170.

gnomAD v4.1: 2 of 1,613,158 alleles (0.00012%); highest among the groups gnomAD compares: Non-Finnish European, 0.000085%; no homozygotes.

Submission:

Labcorp Genetics (formerly Invitae), Labcorp
Classification: Uncertain significance for Genitopatellar syndrome. Last evaluated: 2025-12-19. Review status: criteria provided, single submitter. Criteria: Invitae Variant Classification Sherloc (09022015). Collection method: clinical testing. Allele origin: germline.
Comment: This sequence change replaces alanine, which is neutral and non-polar, with threonine, which is neutral and polar, at codon 1120 of the KAT6B protein (p.Ala1120Thr). This variant is present in population databases (no rsID available, gnomAD 0.0009%). This variant has not been reported in the literature in individuals affected with KAT6B-related conditions. Invitae Evidence Modeling of protein sequence and biophysical properties (such as structural, functional, and spatial information, amino acid conservation, physicochemical variation, residue mobility, and thermodynamic stability) indicates that this missense variant is not expected to disrupt KAT6B protein function with a negative predictive value of 80%. In summary, the available evidence is currently insufficient to determine the role of this variant in disease. Therefore, it has been classified as a Variant of Uncertain Significance.